The following is an entry in ClinVar:

ClinVar aggregate classification (germline): Uncertain significance (1 of 4 stars; one submission).

Submission:

GeneDx
Classification: Uncertain significance. Last evaluated: 2026-04-05. Review status: criteria provided, single submitter. Criteria: GeneDx Variant Classification Process June 2021. Collection method: clinical testing. Allele origin: germline.
Comment: Reported along with a second variant in the ITGA2B gene in a patient with Glanzmann thrombasthenia in the published literature; however, segregation information was not provided (PMID: 40239810); Not observed at significant frequency in large population cohorts (gnomAD); In silico analysis supports that this missense variant has a deleterious effect on protein structure/function; This variant is associated with the following publications: (PMID: 40239810)

NM_000419.5(ITGA2B):c.586C>T (p.Arg196Cys)

Gene: ITGA2B (integrin subunit alpha 2b; minus strand). Cytogenetic location: 17q21.31.
Variant type: single nucleotide variant.
Coding change: c.586C>T on transcript NM_000419.5 (MANE Select); coding-DNA position 586, C replaced by T.
Protein change: p.Arg196Cys; replaces arginine 196 with cysteine.
Molecular consequence: missense variant.
Genome position (GRCh38, 1-based): chr17:44,385,324, G>A on the plus strand (C>T on the coding strand, the complement: ITGA2B is on the minus strand). VCF-style: chr17-44385324-G-A. GRCh37 (hg19) VCF-style: chr17-42462692-G-A.
Other names: short protein forms R196C.
Identifiers: ClinVar variation 5018247 (VCV005018247.1).